The following is an entry in ClinVar:

NM_003801.4(GPAA1):c.1120T>C (p.Tyr374His)

Gene: GPAA1 (glycosylphosphatidylinositol anchor attachment 1; plus strand). Cytogenetic location: 8q24.3.
Variant type: single nucleotide variant.
Coding change: c.1120T>C on transcript NM_003801.4 (MANE Select); coding-DNA position 1120, T replaced by C.
Protein change: p.Tyr374His; replaces tyrosine 374 with histidine.
Molecular consequence: missense variant.
Genome position (GRCh38, 1-based): chr8:144,084,831, T>C. VCF-style: chr8-144084831-T-C. GRCh37 (hg19) VCF-style: chr8-145139734-T-C.
Other names: short protein forms Y374H.
Identifiers: ClinVar variation 1717672 (VCV001717672.5), dbSNP rs1835970526, ClinGen allele CA372501444.

ClinVar aggregate classification (germline): Uncertain significance (1 of 4 stars; one submission).

Allele frequency attached by ClinVar (database versions not stated): gnomAD 0.00001.
gnomAD v4.1: 1 of 1,613,620 alleles (0.000062%); highest among the groups gnomAD compares: South Asian, 0.0011%; no homozygotes.

Submission:

Labcorp Genetics (formerly Invitae), Labcorp
Classification: Uncertain significance. Last evaluated: 2022-08-22. Review status: criteria provided, single submitter. Criteria: Invitae Variant Classification Sherloc (09022015). Collection method: clinical testing. Allele origin: germline.
Comment: In summary, the available evidence is currently insufficient to determine the role of this variant in disease. Therefore, it has been classified as a Variant of Uncertain Significance. Algorithms developed to predict the effect of missense changes on protein structure and function are either unavailable or do not agree on the potential impact of this missense change (SIFT: "Deleterious"; PolyPhen-2: "Probably Damaging"; Align-GVGD: "Class C0"). This variant has not been reported in the literature in individuals affected with GPAA1-related conditions. This variant is not present in population databases (gnomAD no frequency). This sequence change replaces tyrosine, which is neutral and polar, with histidine, which is basic and polar, at codon 374 of the GPAA1 protein (p.Tyr374His).